The following is an entry in ClinVar:

NM_017780.4(CHD7):c.5C>G (p.Ala2Gly)

Gene: CHD7 (chromodomain helicase DNA binding protein 7; plus strand). Cytogenetic location: 8q12.2.
Variant type: single nucleotide variant.
Coding change: c.5C>G on transcript NM_017780.4 (MANE Select); coding-DNA position 5, C replaced by G.
Protein change: p.Ala2Gly; replaces alanine 2 with glycine.
Molecular consequence: missense variant.
Genome position (GRCh38, 1-based): chr8:60,741,437, C>G. VCF-style: chr8-60741437-C-G. GRCh37 (hg19) VCF-style: chr8-61653996-C-G.
Other names: c.5C>G, p.Ala2Gly (NM_001316690.1); short protein forms A2G.
Identifiers: ClinVar variation 1750984 (VCV001750984.2), dbSNP rs1809000474, ClinGen allele CA371295000.

ClinVar aggregate classification (germline): Uncertain significance (1 of 4 stars; one submission).

Conditions:
Inborn genetic diseases. Identifiers: MedGen C0950123, MeSH D030342.

Submission:

Ambry Genetics
Classification: Uncertain significance for Inborn genetic diseases. Last evaluated: 2019-02-04. Review status: criteria provided, single submitter. Criteria: Ambry Variant Classification Scheme 2023. Collection method: clinical testing. Allele origin: germline.
Comment: The p.A2G variant (also known as c.5C>G), located in coding exon 1 of the CHD7 gene, results from a C to G substitution at nucleotide position 5. The alanine at codon 2 is replaced by glycine, an amino acid with similar properties. This amino acid position is highly conserved in available vertebrate species. This splice prediction software does not predict a deleterious effect on splicing. In addition, this alteration is predicted to be tolerated by in silico analysis. Since supporting evidence is limited at this time, the clinical significance of this alteration remains unclear.